The following is an entry in ClinVar:

NM_001378454.1(ALMS1):c.3933G>C (p.Lys1311Asn)

Gene: ALMS1 (ALMS1 centrosome and basal body associated protein; plus strand). Cytogenetic location: 2p13.1.
Variant type: single nucleotide variant.
Coding change: c.3933G>C on transcript NM_001378454.1 (MANE Select); coding-DNA position 3933, G replaced by C.
Protein change: p.Lys1311Asn; replaces lysine 1311 with asparagine.
Molecular consequence: missense variant.
Genome position (GRCh38, 1-based): chr2:73,450,460, G>C. VCF-style: chr2-73450460-G-C. GRCh37 (hg19) VCF-style: chr2-73677587-G-C.
Other names: c.3936G>C, p.Lys1312Asn (NM_015120.4); short protein forms K1311N, K1312N.
Identifiers: ClinVar variation 3369122 (VCV003369122.2).
Genomic context (GRCh38, chr2:73,450,460, plus strand): 5'-GAAGCCCAGCATTTTCTACCAACAGTCGTTGCCAAGTAGTCATCTAACTGAAGAGGCTAA[G>C]AATGTTTCAGCGGTTCCTGGACCAGCTGACCAGAAGACTGTGATACCAATTTTACCCTCT-3'
Protein context (NP_001365383.1, residues 1301-1321): LPSSHLTEEA[Lys1311Asn]NVSAVPGPAD

ClinVar aggregate classification (germline): Uncertain significance. Review status: criteria provided, single submitter (1 of 4 stars). 2 submissions from 2 submitters: Uncertain significance (1). 1 of the submissions does not count toward it. Last evaluated 2024-02-12.

Conditions:
Alstrom syndrome (ALMS). Identifiers: Orphanet 64, MedGen C0268425, MONDO:0008763, OMIM 203800.

Submissions (2):

GeneDx
Classification: Uncertain significance. Last evaluated: 2024-02-12. Review status: criteria provided, single submitter. Criteria: GeneDx Variant Classification Process June 2021. Collection method: clinical testing. Allele origin: germline. Affected: yes.
Comment: Has not been previously published as pathogenic or benign to our knowledge; Not observed at significant frequency in large population cohorts (gnomAD); In silico analysis supports that this missense variant does not alter protein structure/function

Natera, Inc.
Classification: Uncertain significance for Alstrom syndrome. Last evaluated: 2025-03-06. Review status: no assertion criteria provided. Collection method: clinical testing. Allele origin: germline. Not counted in ClinVar's aggregate classification.